The following is an entry in ClinVar:

NM_000092.5(COL4A4):c.4415G>C (p.Ser1472Thr)

Gene: COL4A4 (collagen type IV alpha 4 chain; minus strand). Cytogenetic location: 2q36.3.
Variant type: single nucleotide variant.
Coding change: c.4415G>C on transcript NM_000092.5 (MANE Select); coding-DNA position 4415, G replaced by C.
Protein change: p.Ser1472Thr; replaces serine 1472 with threonine.
Molecular consequence: missense variant.
Genome position (GRCh38, 1-based): chr2:227,010,420, C>G on the plus strand (G>C on the coding strand, the complement: COL4A4 is on the minus strand). VCF-style: chr2-227010420-C-G. GRCh37 (hg19) VCF-style: chr2-227875136-C-G.
Other names: short protein forms S1472T.
Identifiers: ClinVar variation 3585750 (VCV003585750.3).

ClinVar aggregate classification (germline): Uncertain significance. Review status: criteria provided, multiple submitters, no conflicts (2 of 4 stars). 2 submissions from 2 submitters: Uncertain significance (2). Last evaluated 2025-11-01.

Conditions:
Autosomal recessive Alport syndrome (ATS2). Also called: Alport syndrome type 2; COL4A3-Related Nephropathy; COL4A4 Alport Syndrome and Thin Basement Membrane Nephropathy; ALPORT SYNDROME 2, AUTOSOMAL RECESSIVE. Identifiers: Orphanet 63, Orphanet 88919, MedGen C4746745, MONDO:0008762, OMIM 203780.
Hematuria, benign familial, 1 (BFH1). Also called: THIN MEMBRANE NEPHROPATHY. Identifiers: MedGen CN376803, MONDO:0007709, OMIM 141200.

gnomAD v4.1: 3 of 1,614,120 alleles (0.00019%); highest among the groups gnomAD compares: Admixed American, 0.0033%; no homozygotes.

Submissions (2):

Labcorp Genetics (formerly Invitae), Labcorp
Classification: Uncertain significance. Last evaluated: 2025-11-01. Review status: criteria provided, single submitter. Criteria: Invitae Variant Classification Sherloc (09022015). Collection method: clinical testing. Allele origin: germline.
Comment: This sequence change replaces serine, which is neutral and polar, with threonine, which is neutral and polar, at codon 1472 of the COL4A4 protein (p.Ser1472Thr). This variant is not present in population databases (gnomAD no frequency). This variant has not been reported in the literature in individuals affected with COL4A4-related conditions. ClinVar contains an entry for this variant (Variation ID: 3585750). Invitae Evidence Modeling of protein sequence and biophysical properties (such as structural, functional, and spatial information, amino acid conservation, physicochemical variation, residue mobility, and thermodynamic stability) has been performed for this missense variant. However, the output from this modeling did not meet the statistical confidence thresholds required to predict the impact of this variant on COL4A4 protein function. In summary, the available evidence is currently insufficient to determine the role of this variant in disease. Therefore, it has been classified as a Variant of Uncertain Significance.

Fulgent Genetics
Classification: Uncertain significance for Hematuria, benign familial, 1; Autosomal recessive Alport syndrome. Last evaluated: 2024-04-03. Review status: criteria provided, single submitter. Criteria: ACMG Guidelines, 2015. Collection method: clinical testing. Allele origin: germline.